The following is an entry in ClinVar:

ClinVar aggregate classification (germline): Uncertain significance (1 of 4 stars; one submission).

Conditions:
Jeune thoracic dystrophy. Also called: Jeune syndrome; Infantile thoracic dystrophy; Thoracic pelvic phalangeal dystrophy; Jeune's syndrome; Chondroectodermal dysplasia-like syndrome; Short-rib thoracic dysplasia. Identifiers: Orphanet 474, MedGen C0265275, MONDO:0018770.

Submission:

Labcorp Genetics (formerly Invitae), Labcorp
Classification: Uncertain significance for Jeune thoracic dystrophy. Last evaluated: 2023-08-04. Review status: criteria provided, single submitter. Criteria: Invitae Variant Classification Sherloc (09022015). Collection method: clinical testing. Allele origin: germline.
Comment: In summary, the available evidence is currently insufficient to determine the role of this variant in disease. Therefore, it has been classified as a Variant of Uncertain Significance. Algorithms developed to predict the effect of sequence changes on RNA splicing suggest that this variant may disrupt the consensus splice site. ClinVar contains an entry for this variant (Variation ID: 2081686). This variant has not been reported in the literature in individuals affected with DYNC2H1-related conditions. This variant is not present in population databases (gnomAD no frequency). This sequence change affects codon 3822 of the DYNC2H1 mRNA. It is a 'silent' change, meaning that it does not change the encoded amino acid sequence of the DYNC2H1 protein.

NM_001377.3(DYNC2H1):c.11445C>T (p.Pro3815=)

Gene: DYNC2H1 (dynein cytoplasmic 2 heavy chain 1; plus strand). Cytogenetic location: 11q22.3.
Variant type: single nucleotide variant.
Coding change: c.11445C>T on transcript NM_001377.3 (MANE Select); coding-DNA position 11445, C replaced by T.
Protein change: p.Pro3815=; no amino-acid change (proline 3815 retained).
Molecular consequence: synonymous variant.
Genome position (GRCh38, 1-based): chr11:103,307,783, C>T. VCF-style: chr11-103307783-C-T. GRCh37 (hg19) VCF-style: chr11-103178512-C-T.
Other names: c.11466C>T, p.Pro3822= (NM_001080463.2).
Identifiers: ClinVar variation 2081686 (VCV002081686.4), dbSNP rs2496881737, ClinGen allele CA476604613.